The following is an entry in ClinVar:

ClinVar aggregate classification (germline): Uncertain significance (1 of 4 stars; one submission).

Submission:

Ambry Genetics
Classification: Uncertain significance. Last evaluated: 2022-06-14. Review status: criteria provided, single submitter. Criteria: Ambry Variant Classification Scheme 2023. Collection method: clinical testing. Allele origin: germline.
Comment: The p.D230G variant (also known as c.689A>G), located in coding exon 5 of the RECQL gene, results from an A to G substitution at nucleotide position 689. The aspartic acid at codon 230 is replaced by glycine, an amino acid with similar properties. This amino acid position is conserved. In addition, this alteration is predicted to be deleterious by in silico analysis. Since supporting evidence is limited at this time, the clinical significance of this alteration remains unclear.

NM_002907.4(RECQL):c.689A>G (p.Asp230Gly)

Gene: RECQL (RecQ like helicase; minus strand). Cytogenetic location: 12p12.1.
Variant type: single nucleotide variant.
Coding change: c.689A>G on transcript NM_002907.4 (MANE Select); coding-DNA position 689, A replaced by G.
Protein change: p.Asp230Gly; replaces aspartic acid 230 with glycine.
Molecular consequence: missense variant.
Genome position (GRCh38, 1-based): chr12:21,483,387, T>C on the plus strand (A>G on the coding strand, the complement: RECQL is on the minus strand). VCF-style: chr12-21483387-T-C. GRCh37 (hg19) VCF-style: chr12-21636321-T-C.
Other names: c.689A>G, p.Asp230Gly (NM_032941.3); short protein forms D230G.
Identifiers: ClinVar variation 1756024 (VCV001756024.2), dbSNP rs2540374176, ClinGen allele CA384126630.